The following is an entry in ClinVar:

ClinVar aggregate classification (germline): Uncertain significance (0 of 4 stars; one submission).

Conditions:
22q11.2 distal duplication syndrome.

Submission:

Shanghai First Maternity and Infant Hospital, Tongji University
Classification: Uncertain significance for 22q11.2 distal duplication syndrome. Last evaluated: 2019-03-02. Review status: no assertion criteria provided. Collection method: clinical testing. Allele origin: maternal. Affected: no. Observed: 1 variant allele.

GRCh37/hg19 22q11.23(chr22:23652517-25002659)x3

Genes: ADORA2A (adenosine A2a receptor; plus strand), BCR (BCR activator of RhoGEF and GTPase; plus strand), C22orf15 (chromosome 22 open reading frame 15; plus strand), CABIN1 (calcineurin binding protein 1; plus strand), CHCHD10 (coiled-coil-helix-coiled-coil-helix domain containing 10; minus strand) and 23 more. Cytogenetic location: 22q11.23.
Variant type: copy number gain.
Change: copy number 3 (three copies instead of two) of chr22:23,652,517-25,002,659 (1.35 Mb, GRCh37 coordinates, 1-based), cytogenetic band 22q11.23.
Identifiers: ClinVar variation 636297 (VCV000636297.2).